The following is an entry in ClinVar:

ClinVar aggregate classification (germline): Benign. Review status: criteria provided, multiple submitters, no conflicts (2 of 4 stars). 3 submissions from 3 submitters: Benign (3). Last evaluated 2026-06-01.

Allele frequency attached by ClinVar (database versions not stated): 1000 Genomes Project 0.00220; 1000 Genomes Project 30x 0.00250; TOPMed 0.00250; gnomAD 0.00291 and 0.00317; ESP Exome Variant Server 0.00346; gnomAD exomes 0.00454 and 0.00479; ExAC 0.00494.
gnomAD v4.1: 7,398 of 1,610,814 alleles (0.46%); highest among the groups gnomAD compares: South Asian, 1.2%; 38 homozygotes.

Submissions (3):

CeGaT Center for Human Genetics Tuebingen
Classification: Benign. Last evaluated: 2026-06-01. Review status: criteria provided, single submitter. Criteria: CeGaT Center For Human Genetics Tuebingen Variant Classification Criteria Version 2. Collection method: clinical testing. Allele origin: germline. Affected: yes. Observed: 8 variant alleles.
Comment: KYNU: BP4, BP7, BS1, BS2

Labcorp Genetics (formerly Invitae), Labcorp
Classification: Benign. Last evaluated: 2019-12-31. Review status: criteria provided, single submitter. Criteria: Invitae Variant Classification Sherloc (09022015). Collection method: clinical testing. Allele origin: germline.

Breakthrough Genomics
Classification: Benign. Review status: criteria provided, single submitter. Criteria: ACMG Guidelines, 2015. Collection method: not provided. Allele origin: germline. Inheritance: Autosomal recessive inheritance. Affected: yes.

NM_003937.3(KYNU):c.759T>C (p.His253=)

Gene: KYNU (kynureninase; plus strand). Cytogenetic location: 2q22.2.
Variant type: single nucleotide variant.
Coding change: c.759T>C on transcript NM_003937.3 (MANE Select); coding-DNA position 759, T replaced by C.
Protein change: p.His253=; no amino-acid change (histidine 253 retained).
Molecular consequence: synonymous variant.
Genome position (GRCh38, 1-based): chr2:142,985,113, T>C. VCF-style: chr2-142985113-T-C. GRCh37 (hg19) VCF-style: chr2-143742682-T-C.
Other names: c.759T>C, p.His253= (NM_001032998.2, NM_001199241.2).
Identifiers: ClinVar variation 721100 (VCV000721100.28), dbSNP rs139634527, ClinGen allele CA1896834.
Genomic context (GRCh38, chr2:142,985,113, plus strand): 5'-ACTTAAAGCTTATTATTGTGTTCTTCCCTAGGGTTGTTATGTTGGCTTTGATCTAGCACA[T>C]GCAGTTGGAAATGTTGAACTCTACTTACATGACTGGGGAGTTGATTTTGCCTGCTGGTGT-3'
Protein context (NP_003928.1, residues 243-263): KGCYVGFDLA[His253=]AVGNVELYLH